The following is an entry in ClinVar:

NM_017780.4(CHD7):c.8045C>A (p.Ala2682Asp)

Gene: CHD7 (chromodomain helicase DNA binding protein 7; plus strand). Cytogenetic location: 8q12.2.
Variant type: single nucleotide variant.
Coding change: c.8045C>A on transcript NM_017780.4 (MANE Select); coding-DNA position 8045, C replaced by A.
Protein change: p.Ala2682Asp; replaces alanine 2682 with aspartic acid.
Molecular consequence: missense variant.
Genome position (GRCh38, 1-based): chr8:60,862,621, C>A. VCF-style: chr8-60862621-C-A. GRCh37 (hg19) VCF-style: chr8-61775180-C-A.
Other names: c.1898C>A, p.Ala633Asp (NM_001316690.1); short protein forms A633D, A2682D.
Identifiers: ClinVar variation 2701563 (VCV002701563.3), dbSNP rs2488122393, ClinGen allele CA371305924.

ClinVar aggregate classification (germline): Uncertain significance (1 of 4 stars; one submission).

Conditions:
CHARGE syndrome (CHARGE). Also called: Hittner Hirsch Kreh syndrome; CHARGE ASSOCIATION--COLOBOMA, HEART ANOMALY, CHOANAL ATRESIA, RETARDATION, GENITAL AND EAR ANOMALIES; Coloboma, heart anomaly, choanal atresia, retardation, genital and ear anomalies; CHARGE association; Hall-Hittner syndrome. Identifiers: Orphanet 138, MedGen C0265354, MONDO:0008965.

Submission:

Labcorp Genetics (formerly Invitae), Labcorp
Classification: Uncertain significance for CHARGE syndrome. Last evaluated: 2023-12-17. Review status: criteria provided, single submitter. Criteria: Invitae Variant Classification Sherloc (09022015). Collection method: clinical testing. Allele origin: germline.
Comment: This sequence change replaces alanine, which is neutral and non-polar, with aspartic acid, which is acidic and polar, at codon 2682 of the CHD7 protein (p.Ala2682Asp). This variant is not present in population databases (gnomAD no frequency). This variant has not been reported in the literature in individuals affected with CHD7-related conditions. Advanced modeling of protein sequence and biophysical properties (such as structural, functional, and spatial information, amino acid conservation, physicochemical variation, residue mobility, and thermodynamic stability) performed at Invitae indicates that this missense variant is not expected to disrupt CHD7 protein function with a negative predictive value of 95%. In summary, the available evidence is currently insufficient to determine the role of this variant in disease. Therefore, it has been classified as a Variant of Uncertain Significance.